The following is an entry in ClinVar:

NM_003482.4(KMT2D):c.16306del (p.Ala5436fs)

Gene: KMT2D (lysine methyltransferase 2D; minus strand). Cytogenetic location: 12q13.12.
Variant type: Deletion.
Coding change: c.16306del on transcript NM_003482.4 (MANE Select); coding-DNA position 16306, one base deleted (G; older notation c.16306delG).
Protein change: p.Ala5436fs; shifts the reading frame from alanine 5436.
Molecular consequence: frameshift variant.
Genome position (GRCh38, 1-based): chr12:49,022,622, C deleted on the plus strand (G on the coding strand, the reverse complement: KMT2D is on the minus strand); the first of 2 consecutive C bases (chr12:49,022,622-49,022,623); deleting either gives the same sequence. VCF-style (leftmost placement, unchanged base first): chr12-49022621-GC-G. GRCh37 (hg19) VCF-style: chr12-49416404-GC-G.
Other names: short protein forms A5436fs.
Identifiers: ClinVar variation 3235242 (VCV003235242.1), dbSNP rs2499025686.

ClinVar aggregate classification (germline): Pathogenic (1 of 4 stars; one submission).

Conditions:
Kabuki syndrome 1 (KABUK1). Also called: KMT2D-Related Kabuki Syndrome. Identifiers: Orphanet 2322, MedGen CN030661, MONDO:0007843, OMIM 147920.

Submission:

MVZ Medizinische Genetik Mainz
Classification: Pathogenic for Kabuki syndrome 1. Last evaluated: 2023-05-23. Review status: criteria provided, single submitter. Criteria: UK Practice Guidelines For Variant Classification V4 01 2020. Collection method: clinical testing. Allele origin: germline. Inheritance: Autosomal dominant inheritance. Affected: yes. Observed: 1 variant allele.
Comment: ACMG Criteria: PVS1,PM2_SUP